The following is an entry in ClinVar:

NM_000136.3(FANCC):c.1393C>T (p.Gln465Ter)

Genes: AOPEP (aminopeptidase O (putative); plus strand), FANCC (FA complementation group C; minus strand). Cytogenetic location: 9q22.32.
Variant type: single nucleotide variant.
Coding change: c.1393C>T on transcript NM_000136.3 (MANE Select); coding-DNA position 1393, C replaced by T.
Protein change: p.Gln465Ter; replaces glutamine 465 with a stop codon.
Molecular consequence: nonsense.
Genome position (GRCh38, 1-based): chr9:95,107,206, G>A on the plus strand (C>T on the coding strand, the complement: FANCC is on the minus strand). VCF-style: chr9-95107206-G-A. GRCh37 (hg19) VCF-style: chr9-97869488-G-A.
Other names: c.1393C>T, p.Gln465Ter (NM_001243743.2); short protein forms Q465*.
Identifiers: ClinVar variation 584737 (VCV000584737.18), dbSNP rs1035139114, ClinGen allele CA196540181.

ClinVar aggregate classification (germline): Pathogenic. Review status: criteria provided, multiple submitters, no conflicts (2 of 4 stars). 8 submissions from 8 submitters: Pathogenic (6). 2 of the submissions do not count toward it. Last evaluated 2025-10-07.

Conditions:
Fanconi anemia (FA). Also called: Fanconi's anemia. Identifiers: Orphanet 84, MedGen C0015625, MeSH D005199, MONDO:0019391.
Fanconi anemia complementation group C (FANCC). Also called: Fanconi anemia, group C; FANCONI PANCYTOPENIA, TYPE 3; FACC; FANCC-Related Fanconi Anemia. Identifiers: Orphanet 84, MedGen C3468041, MONDO:0009213, OMIM 227645.

Submissions (8):

Dasa
Classification: Pathogenic. Last evaluated: 2025-10-07. Review status: criteria provided, single submitter. Criteria: DASA Assertion Criteria. Collection method: clinical testing. Allele origin: germline.
Comment: NM_000136.3(FANCC):c.1393C>T (p.Gln465*) introduces a premature termination codon predicted to result in loss of normal protein function. Loss-of-function is an established mechanism of disease for this gene. This variant has been reported in individuals with related phenotype (PMID: 16429406). Based on the available data, this variant is classified as pathogenic.

Myriad Genetics, Inc.
Classification: Pathogenic for Fanconi anemia complementation group C. Last evaluated: 2025-08-12. Review status: criteria provided, single submitter. Criteria: Myriad Autosomal Dominant, Autosomal Recessive and X-Linked Classification Criteria (2023). Collection method: clinical testing. Allele origin: unknown.
Comment: NM_000136.2(FANCC):c.1393C>T(Q465*) is a nonsense variant classified as pathogenic in the context of Fanconi anemia, FANCC-related. Q465* has been observed in cases with relevant disease (PMID: 16429406, 28717661). Relevant functional assessments of this variant are not available in the literature. Q465* has not been observed in referenced population frequency databases. In summary, NM_000136.2(FANCC):c.1393C>T(Q465*) is a nonsense variant in a gene where loss of function is a known mechanism of disease, is predicted to disrupt protein function, and has been observed more frequently in cases with the relevant disease than in healthy populations. Please note: this variant was assessed in the context of healthy population screening.

Laboratorio de Genetica e Diagnostico Molecular, Hospital Israelita Albert Einstein
Classification: Pathogenic for Fanconi anemia complementation group C. Last evaluated: 2023-11-03. Review status: criteria provided, single submitter. Criteria: ACMG Guidelines, 2015. Collection method: clinical testing. Allele origin: germline. Affected: yes.
Comment: ACMG classification criteria: PVS1 very strong, PM2 supporting, PM3 moderate

Women's Health and Genetics/Laboratory Corporation of America, LabCorp
Classification: Pathogenic for Fanconi anemia complementation group C. Last evaluated: 2022-04-18. Review status: criteria provided, single submitter. Criteria: LabCorp Variant Classification Summary - May 2015. Collection method: clinical testing. Allele origin: germline.
Comment: Variant summary: FANCC c.1393C>T (p.Gln465X) results in a premature termination codon, predicted to cause a truncation of the encoded protein or absence of the protein due to nonsense mediated decay, which are commonly known mechanisms for disease. Truncations downstream of this position have been classified as pathogenic by our laboratory. The variant was absent in 251264 control chromosomes (gnomAD). c.1393C>T has been reported in the literature in multiple individuals affected with Fanconi Anemia Group C (e.g. Yates_2006, Pilonetto_2017). These data indicate that the variant is very likely to be associated with disease. MMC survival and MMC induced chromosome breakage assays demonstrated the functional inactivation of the transduced variant gene. Three ClinVar submitters (evaluation after 2014) cite the variant as pathogenic. Based on the evidence outlined above, the variant was classified as pathogenic.

Labcorp Genetics (formerly Invitae), Labcorp
Classification: Pathogenic for Fanconi anemia. Last evaluated: 2020-03-26. Review status: criteria provided, single submitter. Criteria: Invitae Variant Classification Sherloc (09022015). Collection method: clinical testing. Allele origin: germline.
Comment: For these reasons, this variant has been classified as Pathogenic. Loss-of-function variants in FANCC are known to be pathogenic (PMID: 17924555). This variant has been observed in individual(s) with Fanconi anemia (PMID: 16429406). ClinVar contains an entry for this variant (Variation ID: 584737). This variant is not present in population databases (ExAC no frequency). This sequence change creates a premature translational stop signal (p.Gln465*) in the FANCC gene. It is expected to result in an absent or disrupted protein product.

Mendelics
Classification: Pathogenic for Fanconi anemia, complementation group C. Last evaluated: 2018-07-02. Review status: criteria provided, single submitter. Criteria: Mendelics Assertion Criteria 2017. Collection method: clinical testing. Allele origin: unknown.

Leiden Open Variation Database
Classification: Pathogenic for Fanconi anemia complementation group C. Last evaluated: 2020-02-28. Review status: no assertion criteria provided. Collection method: curation. Allele origin: germline. Affected: yes. Not counted in ClinVar's aggregate classification.
Comment: Curator: Arleen D. Auerbach. Submitters to LOVD: Arleen D. Auerbach, Daniela Pilonetto, Johan de Winter.

Natera, Inc.
Classification: Pathogenic for Fanconi anemia. Last evaluated: 2017-03-17. Review status: no assertion criteria provided. Collection method: clinical testing. Allele origin: germline. Not counted in ClinVar's aggregate classification.

Literature cited by the submitters: PubMed 16429406 (cited by 5 submitters); PubMed 28717661 (cited by Myriad Genetics, Inc. and Women's Health and Genetics/Laboratory Corporation of America, LabCorp); PubMed 17924555 (cited by Labcorp Genetics (formerly Invitae), Labcorp and Leiden Open Variation Database).